The following is an entry in ClinVar:

ClinVar aggregate classification (germline): Benign/Likely benign. Review status: criteria provided, multiple submitters, no conflicts (2 of 4 stars). 3 submissions from 3 submitters: Benign (1); Likely benign (2). Last evaluated 2026-04-06.

Conditions:
Hereditary cancer-predisposing syndrome. Also called: Hereditary Cancer Syndrome; Neoplastic Syndromes, Hereditary; Hereditary neoplastic syndrome; Tumor predisposition. Identifiers: Orphanet 140162, MedGen C0027672, MeSH D009386, MONDO:0015356.
Tuberous sclerosis 1 (TSC1). Identifiers: Orphanet 805, MedGen C1854465, MONDO:0008612, OMIM 191100.

Allele frequency attached by ClinVar (database versions not stated): gnomAD exomes below 0.00001.
gnomAD v4.1: 2 of 1,614,158 alleles (0.00012%); highest among the groups gnomAD compares: Non-Finnish European, 0.00017%; no homozygotes.

Submissions (3):

Ambry Genetics
Classification: Likely benign for Hereditary cancer-predisposing syndrome. Last evaluated: 2026-04-06. Review status: criteria provided, single submitter. Criteria: Ambry Variant Classification Scheme 2023. Collection method: clinical testing. Allele origin: germline.

Labcorp Genetics (formerly Invitae), Labcorp
Classification: Likely benign for Tuberous sclerosis 1. Last evaluated: 2025-12-30. Review status: criteria provided, single submitter. Criteria: Invitae Variant Classification Sherloc (09022015). Collection method: clinical testing. Allele origin: germline.

Myriad Genetics, Inc.
Classification: Benign for Tuberous sclerosis 1. Last evaluated: 2025-04-07. Review status: criteria provided, single submitter. Criteria: Myriad Autosomal Dominant, Autosomal Recessive and X-Linked Classification Criteria (2023). Collection method: clinical testing. Allele origin: unknown.
Comment: This variant is considered benign. This variant is a silent/synonymous amino acid change and it is not expected to impact splicing.

NM_000368.5(TSC1):c.18T>C (p.Asn6=)

Gene: TSC1 (TSC complex subunit 1; minus strand). Cytogenetic location: 9q34.13.
Variant type: single nucleotide variant.
Coding change: c.18T>C on transcript NM_000368.5 (MANE Select); coding-DNA position 18, T replaced by C.
Protein change: p.Asn6=; no amino-acid change (asparagine 6 retained).
Molecular consequence: synonymous variant. On other transcripts: 5 prime UTR variant (1).
Genome position (GRCh38, 1-based): chr9:132,928,855, A>G on the plus strand (T>C on the coding strand, the complement: TSC1 is on the minus strand). VCF-style: chr9-132928855-A-G. GRCh37 (hg19) VCF-style: chr9-135804242-A-G.
Other names: c.18T>C, p.Asn6= (NM_001162426.2, NM_001162427.2); c.-242T>C (NM_001362177.2); c.18T>C (NM_000368.4).
Identifiers: ClinVar variation 1630113 (VCV001630113.10), dbSNP rs2132296958, ClinGen allele CA467594373.